The following is an entry in ClinVar:

NM_006514.4(SCN10A):c.123T>A (p.His41Gln)

Gene: SCN10A (sodium voltage-gated channel alpha subunit 10; minus strand). Cytogenetic location: 3p22.2.
Variant type: single nucleotide variant.
Coding change: c.123T>A on transcript NM_006514.4 (MANE Select); coding-DNA position 123, T replaced by A.
Protein change: p.His41Gln; replaces histidine 41 with glutamine.
Molecular consequence: missense variant.
Genome position (GRCh38, 1-based): chr3:38,793,888, A>T on the plus strand (T>A on the coding strand, the complement: SCN10A is on the minus strand). VCF-style: chr3-38793888-A-T. GRCh37 (hg19) VCF-style: chr3-38835379-A-T.
Other names: c.123T>A, p.His41Gln (NM_001293306.2, NM_001293307.2); short protein forms H41Q.
Identifiers: ClinVar variation 4864105 (VCV004864105.1).

ClinVar aggregate classification (germline): Uncertain significance (1 of 4 stars; one submission).

Conditions:
Cardiovascular phenotype. Identifiers: MedGen CN230736.

Submission:

Ambry Genetics
Classification: Uncertain significance for Cardiovascular phenotype. Last evaluated: 2026-05-03. Review status: criteria provided, single submitter. Criteria: Ambry Variant Classification Scheme 2023. Collection method: clinical testing. Allele origin: germline.
Comment: The p.H41Q variant (also known as c.123T>A), located in coding exon 1 of the SCN10A gene, results from a T to A substitution at nucleotide position 123. The histidine at codon 41 is replaced by glutamine, an amino acid with highly similar properties. This amino acid position is conserved. In addition, this alteration is predicted to be tolerated by in silico analysis. Based on the available evidence, the clinical significance of this variant remains unclear.